The following is an entry in ClinVar:

NM_032608.7(MYO18B):c.3583C>T (p.Arg1195Trp)

Gene: MYO18B (myosin XVIIIB; plus strand). Cytogenetic location: 22q12.1.
Variant type: single nucleotide variant.
Coding change: c.3583C>T on transcript NM_032608.7 (MANE Select); coding-DNA position 3583, C replaced by T.
Protein change: p.Arg1195Trp; replaces arginine 1195 with tryptophan.
Molecular consequence: missense variant.
Genome position (GRCh38, 1-based): chr22:25,847,460, C>T. VCF-style: chr22-25847460-C-T. GRCh37 (hg19) VCF-style: chr22-26243427-C-T.
Other names: c.3586C>T, p.Arg1196Trp (NM_001318245.2); short protein forms R1195W, R1196W.
Identifiers: ClinVar variation 1445572 (VCV001445572.5), dbSNP rs373200227, ClinGen allele CA322775008.

ClinVar aggregate classification (germline): Uncertain significance (1 of 4 stars; one submission).

Allele frequency attached by ClinVar (database versions not stated): gnomAD exomes 0.00002; TOPMed 0.00002; gnomAD 0.00003; ESP Exome Variant Server 0.00008.
gnomAD v4.1: 32 of 1,576,474 alleles (0.002%); highest among the groups gnomAD compares: Admixed American, 0.0055%; no homozygotes.

Submission:

Labcorp Genetics (formerly Invitae), Labcorp
Classification: Uncertain significance. Last evaluated: 2022-07-05. Review status: criteria provided, single submitter. Criteria: Invitae Variant Classification Sherloc (09022015). Collection method: clinical testing. Allele origin: germline.
Comment: This sequence change replaces arginine, which is basic and polar, with tryptophan, which is neutral and slightly polar, at codon 1195 of the MYO18B protein (p.Arg1195Trp). This variant is not present in population databases (gnomAD no frequency). This variant has not been reported in the literature in individuals affected with MYO18B-related conditions. ClinVar contains an entry for this variant (Variation ID: 1445572). Algorithms developed to predict the effect of missense changes on protein structure and function are either unavailable or do not agree on the potential impact of this missense change (SIFT: "Not Available"; PolyPhen-2: "Benign"; Align-GVGD: "Not Available"). In summary, the available evidence is currently insufficient to determine the role of this variant in disease. Therefore, it has been classified as a Variant of Uncertain Significance.